The following is an entry in ClinVar:

NM_000090.4(COL3A1):c.80-16C>T

Gene: COL3A1 (collagen type III alpha 1 chain; plus strand). Cytogenetic location: 2q32.2.
Variant type: single nucleotide variant.
Coding change: c.80-16C>T on transcript NM_000090.4 (MANE Select); 16 bases into the intron before coding-DNA position 80, C replaced by T.
Molecular consequence: intron variant.
Genome position (GRCh38, 1-based): chr2:188,984,744, C>T. VCF-style: chr2-188984744-C-T. GRCh37 (hg19) VCF-style: chr2-189849470-C-T.
Identifiers: ClinVar variation 136840 (VCV000136840.25), dbSNP rs28763875, ClinGen allele CA007464.
Genomic context (GRCh38, chr2:188,984,744, plus strand): 5'-TAGTCCTAACAGAGTAACAAAAATCACCTTTCAGCAAAACCTAAGGAAACTTCACGTCAT[C>T]TAACTTGTTTTTCAGCTGTTGAAGGAGGATGTTCCCATCTTGGTCAGTCCTATGCGGATA-3'

ClinVar aggregate classification (germline): Benign. Review status: criteria provided, multiple submitters, no conflicts (2 of 4 stars). 6 submissions from 6 submitters: Benign (6). Last evaluated 2026-02-02.

Conditions:
Ehlers-Danlos syndrome, type 4 (EDSVASC). Also called: Ehlers-Danlos syndrome vascular type; Ehlers Danlos syndrome, ecchymotic type; Ehlers Danlos syndrome, arterial type; Ehlers Danlos syndrome, Sack-Barabas type; Ehlers-Danlos Syndrome Type IV. Identifiers: Orphanet 286, MedGen C0268338, MONDO:0017314, OMIM 130050.

Allele frequency attached by ClinVar (database versions not stated): gnomAD exomes 0.00086 and 0.00221; ExAC 0.00290; gnomAD 0.00877 and 0.00914; 1000 Genomes Project 0.00978; TOPMed 0.00992; 1000 Genomes Project 30x 0.01015; ESP Exome Variant Server 0.01046.
gnomAD v4.1: 2,657 of 1,611,978 alleles (0.16%); highest among the groups gnomAD compares: African/African-American, 3.2%; 56 homozygotes.

Submissions (6):

Labcorp Genetics (formerly Invitae), Labcorp
Classification: Benign for Ehlers-Danlos syndrome, type 4. Last evaluated: 2026-02-02. Review status: criteria provided, single submitter. Criteria: Invitae Variant Classification Sherloc (09022015). Collection method: clinical testing. Allele origin: germline.

ARUP Laboratories, Molecular Genetics and Genomics, ARUP Laboratories
Classification: Benign. Last evaluated: 2025-07-14. Review status: criteria provided, single submitter. Criteria: ARUP Molecular Germline Variant Investigation Process 2024. Collection method: clinical testing. Allele origin: germline.

Women's Health and Genetics/Laboratory Corporation of America, LabCorp
Classification: Benign. Last evaluated: 2020-09-24. Review status: criteria provided, single submitter. Criteria: LabCorp Variant Classification Summary - May 2015. Collection method: clinical testing. Allele origin: germline.
Comment: Variant summary: COL3A1 c.80-16C>T alters a non-conserved nucleotide located close to a canonical splice site and therefore could affect mRNA splicing, leading to a significantly altered protein sequence. 4/4 computational tools predict no significant impact on normal splicing. However, these predictions have yet to be confirmed by functional studies. The variant allele was found at a frequency of 0.0022 in 250658 control chromosomes, predominantly at a frequency of 0.031 within the African or African-American subpopulation in the gnomAD database, including 4 homozygotes. The observed variant frequency within African or African-American control individuals in the gnomAD database is approximately 20666 fold of the estimated maximal expected allele frequency for a pathogenic variant in COL3A1 causing Ehlers-Danlos Syndrome, Vascular Type phenotype (1.5e-06), strongly suggesting that the variant is a benign polymorphism found primarily in populations of African or African-American origin. To our knowledge, no occurrence of c.80-16C>T in individuals affected with Ehlers-Danlos Syndrome, Vascular Type and no experimental evidence demonstrating its impact on protein function have been reported. One ClinVar submitter (evaluation after 2014) cite the variant as benign. Based on the evidence outlined above, the variant was classified as benign.

GeneDx
Classification: Benign. Last evaluated: 2014-02-02. Review status: criteria provided, single submitter. Criteria: GeneDx Variant Classification (06012015). Collection method: clinical testing. Allele origin: germline. Affected: yes.
Comment: This variant is considered likely benign or benign based on one or more of the following criteria: it is a conservative change, it occurs at a poorly conserved position in the protein, it is predicted to be benign by multiple in silico algorithms, and/or has population frequency not consistent with disease.

Breakthrough Genomics
Classification: Benign. Review status: criteria provided, single submitter. Criteria: ACMG Guidelines, 2015. Collection method: not provided. Allele origin: germline. Inheritance: Autosomal recessive inheritance. Affected: yes.

PreventionGenetics, part of Exact Sciences
Classification: Benign. Review status: criteria provided, single submitter. Criteria: ACMG Guidelines, 2015. Collection method: clinical testing. Allele origin: germline.